The following is an entry in ClinVar:

NM_012281.3(KCND2):c.244C>T (p.Gln82Ter)

Gene: KCND2 (potassium voltage-gated channel subfamily D member 2; plus strand). Cytogenetic location: 7q31.31.
Variant type: single nucleotide variant.
Coding change: c.244C>T on transcript NM_012281.3 (MANE Select); coding-DNA position 244, C replaced by T.
Protein change: p.Gln82Ter; replaces glutamine 82 with a stop codon.
Molecular consequence: nonsense.
Genome position (GRCh38, 1-based): chr7:120,274,876, C>T. VCF-style: chr7-120274876-C-T. GRCh37 (hg19) VCF-style: chr7-119914930-C-T.
Other names: short protein forms Q82*.
Identifiers: ClinVar variation 2114415 (VCV002114415.4), dbSNP rs1306598422, ClinGen allele CA369131156.

ClinVar aggregate classification (germline): Uncertain significance (1 of 4 stars; one submission).

Conditions:
Early Myoclonic Encephalopathy. Identifiers: MedGen C0270855.

Allele frequency attached by ClinVar (database versions not stated): gnomAD exomes below 0.00001.
gnomAD v4.1: 1 of 1,614,184 alleles (0.000062%); highest among the groups gnomAD compares: Non-Finnish European, 0.000085%; no homozygotes.

Submission:

Labcorp Genetics (formerly Invitae), Labcorp
Classification: Uncertain significance for Early Myoclonic Encephalopathy. Last evaluated: 2022-10-12. Review status: criteria provided, single submitter. Criteria: Invitae Variant Classification Sherloc (09022015). Collection method: clinical testing. Allele origin: germline.
Comment: In summary, the available evidence is currently insufficient to determine the role of this variant in disease. Therefore, it has been classified as a Variant of Uncertain Significance. This variant has not been reported in the literature in individuals affected with KCND2-related conditions. This variant is present in population databases (no rsID available, gnomAD 0.0009%). This sequence change creates a premature translational stop signal (p.Gln82*) in the KCND2 gene. It is expected to result in an absent or disrupted protein product. However, the current clinical and genetic evidence is not sufficient to establish whether loss-of-function variants in KCND2 cause disease.